The following is an entry in ClinVar:

NM_001128840.3(CACNA1D):c.4792+3C>G

Gene: CACNA1D (calcium voltage-gated channel subunit alpha1 D; plus strand). Cytogenetic location: 3p21.1.
Variant type: single nucleotide variant.
Coding change: c.4792+3C>G on transcript NM_001128840.3 (MANE Select); 3 bases into the intron after coding-DNA position 4792, C replaced by G.
Molecular consequence: intron variant.
Genome position (GRCh38, 1-based): chr3:53,781,670, C>G. VCF-style: chr3-53781670-C-G. GRCh37 (hg19) VCF-style: chr3-53815697-C-G.
Other names: c.4747+3C>G (NM_001128839.3); c.4852+3C>G (NM_000720.4).
Identifiers: ClinVar variation 4726686 (VCV004726686.1).

ClinVar aggregate classification (germline): Uncertain significance (1 of 4 stars; one submission).

Submission:

Labcorp Genetics (formerly Invitae), Labcorp
Classification: Uncertain significance. Last evaluated: 2025-09-05. Review status: criteria provided, single submitter. Criteria: Invitae Variant Classification Sherloc (09022015). Collection method: clinical testing. Allele origin: germline.
Comment: This sequence change falls in intron 40 of the CACNA1D gene. It does not directly change the encoded amino acid sequence of the CACNA1D protein. It affects a nucleotide within the consensus splice site. This variant is not present in population databases (gnomAD no frequency). This variant has not been reported in the literature in individuals affected with CACNA1D-related conditions. Variants that disrupt the consensus splice site are a relatively common cause of aberrant splicing (PMID: 17576681, 9536098). Algorithms developed to predict the effect of sequence changes on RNA splicing suggest that this variant is not likely to affect RNA splicing. In summary, the available evidence is currently insufficient to determine the role of this variant in disease. Therefore, it has been classified as a Variant of Uncertain Significance.

Literature cited by the submitters: PubMed 17576681; PubMed 9536098.